The following is an entry in ClinVar:

ClinVar aggregate classification (germline): Uncertain significance. Review status: criteria provided, multiple submitters, no conflicts (2 of 4 stars). 2 submissions from 2 submitters: Uncertain significance (2). Last evaluated 2025-04-12.

Conditions:
Inborn genetic diseases. Identifiers: MedGen C0950123, MeSH D030342.

Allele frequency attached by ClinVar (database versions not stated): gnomAD exomes 0.00002; ExAC 0.00003; gnomAD 0.00003; TOPMed 0.00003; ESP Exome Variant Server 0.00008.
gnomAD v4.1: 31 of 1,612,708 alleles (0.0019%); highest among the groups gnomAD compares: South Asian, 0.0044%; no homozygotes.

Submissions (2):

Labcorp Genetics (formerly Invitae), Labcorp
Classification: Uncertain significance. Last evaluated: 2025-04-12. Review status: criteria provided, single submitter. Criteria: Invitae Variant Classification Sherloc (09022015). Collection method: clinical testing. Allele origin: germline.
Comment: This sequence change replaces arginine, which is basic and polar, with glutamine, which is neutral and polar, at codon 868 of the ACTN4 protein (p.Arg868Gln). This variant is present in population databases (rs369988035, gnomAD 0.006%). This variant has not been reported in the literature in individuals affected with ACTN4-related conditions. ClinVar contains an entry for this variant (Variation ID: 2395696). An algorithm developed to predict the effect of missense changes on protein structure and function (PolyPhen-2) suggests that this variant is likely to be disruptive. In summary, the available evidence is currently insufficient to determine the role of this variant in disease. Therefore, it has been classified as a Variant of Uncertain Significance.

Ambry Genetics
Classification: Uncertain significance for Inborn genetic diseases. Last evaluated: 2021-12-03. Review status: criteria provided, single submitter. Criteria: Ambry Variant Classification Scheme 2023. Collection method: clinical testing. Allele origin: germline.

NM_004924.6(ACTN4):c.2603G>A (p.Arg868Gln)

Gene: ACTN4 (actinin alpha 4; plus strand). Cytogenetic location: 19q13.2.
Variant type: single nucleotide variant.
Coding change: c.2603G>A on transcript NM_004924.6 (MANE Select); coding-DNA position 2603, G replaced by A.
Protein change: p.Arg868Gln; replaces arginine 868 with glutamine.
Molecular consequence: missense variant.
Genome position (GRCh38, 1-based): chr19:38,729,299, G>A. VCF-style: chr19-38729299-G-A. GRCh37 (hg19) VCF-style: chr19-39219939-G-A.
Other names: c.2588G>A, p.Arg863Gln (NM_001322033.2); c.2603G>A, p.Arg868Gln (NM_001411143.1); short protein forms R863Q, R868Q.
Identifiers: ClinVar variation 2395696 (VCV002395696.3), dbSNP rs369988035, ClinGen allele CA9418113.